The following is an entry in ClinVar:

NM_000179.3(MSH6):c.2600del (p.Val867fs)

Gene: MSH6 (mutS homolog 6; plus strand). Cytogenetic location: 2p16.3.
Variant type: Deletion.
Coding change: c.2600del on transcript NM_000179.3 (MANE Select); coding-DNA position 2600, one base deleted (T; older notation c.2600delT).
Protein change: p.Val867fs; shifts the reading frame from valine 867.
Molecular consequence: frameshift variant.
Genome position (GRCh38, 1-based): chr2:47,800,583, T deleted. VCF-style (leftmost placement, unchanged base first): chr2-47800582-GT-G. GRCh37 (hg19) VCF-style: chr2-48027721-GT-G.
Other names: c.2210del, p.Val737fs (NM_001281492.2); c.1694del, p.Val565fs (NM_001281493.2, NM_001281494.2); c.2696delT, p.Val899Glufs (NM_001406795.1, NM_001406802.1); c.2600delT, p.Val867Glufs (NM_001406796.1, NM_001406798.1, NM_001406800.1 and 2 more transcripts); c.2303delT, p.Val768Glufs (NM_001406797.1, NM_001406801.1, NM_001406805.1 and 10 more transcripts); c.2075delT, p.Val692Glufs (NM_001406799.1, NM_001406806.1, NM_001406807.1); c.2522delT, p.Val841Glufs (NM_001406804.1); c.1694delT, p.Val565Glufs (NM_001406811.1, NM_001406812.1, NM_001406814.1 and 4 more transcripts); and 2 more; short protein forms V867fs, V565fs, V737fs.
Identifiers: ClinVar variation 1793675 (VCV001793675.2), dbSNP rs2530682196, ClinGen allele CA2580067961.

ClinVar aggregate classification (germline): Pathogenic (1 of 4 stars; one submission).

Conditions:
Hereditary cancer-predisposing syndrome. Also called: Tumor predisposition; Hereditary Cancer Syndrome; Neoplastic Syndromes, Hereditary; Hereditary neoplastic syndrome. Identifiers: Orphanet 140162, MedGen C0027672, MeSH D009386, MONDO:0015356.

Submission:

Ambry Genetics
Classification: Pathogenic for Hereditary cancer-predisposing syndrome. Last evaluated: 2020-05-08. Review status: criteria provided, single submitter. Criteria: Ambry Variant Classification Scheme 2023. Collection method: clinical testing. Allele origin: germline.
Comment: The c.2600delT variant, located in coding exon 4 of the MSH6 gene, results from a deletion of one nucleotide at nucleotide position 2600, causing a translational frameshift with a predicted alternate stop codon (p.V867Efs*6). This alteration is expected to result in loss of function by premature protein truncation or nonsense-mediated mRNA decay. As such, this alteration is interpreted as a disease-causing mutation.